The following is an entry in ClinVar:

ClinVar aggregate classification (germline): Uncertain significance (1 of 4 stars; one submission).

Conditions:
Atrioventricular septal defect 4 (AVSD4). Identifiers: MedGen C3280781, MONDO:0013747, OMIM 614430.

Allele frequency attached by ClinVar (database versions not stated): gnomAD exomes 0.00001.
gnomAD v4.1: 8 of 1,281,208 alleles (0.00062%); highest among the groups gnomAD compares: Non-Finnish European, 0.00069%; no homozygotes.

Submission:

Labcorp Genetics (formerly Invitae), Labcorp
Classification: Uncertain significance for Atrioventricular septal defect 4. Last evaluated: 2024-02-22. Review status: criteria provided, single submitter. Criteria: Invitae Variant Classification Sherloc (09022015). Collection method: clinical testing. Allele origin: germline.
Comment: This sequence change replaces alanine, which is neutral and non-polar, with glycine, which is neutral and non-polar, at codon 123 of the GATA4 protein (p.Ala123Gly). This variant is not present in population databases (gnomAD no frequency). This variant has not been reported in the literature in individuals affected with GATA4-related conditions. Advanced modeling of protein sequence and biophysical properties (such as structural, functional, and spatial information, amino acid conservation, physicochemical variation, residue mobility, and thermodynamic stability) performed at Invitae indicates that this missense variant is not expected to disrupt GATA4 protein function with a negative predictive value of 80%. In summary, the available evidence is currently insufficient to determine the role of this variant in disease. Therefore, it has been classified as a Variant of Uncertain Significance.

NM_001308093.3(GATA4):c.368C>G (p.Ala123Gly)

Gene: GATA4 (GATA binding protein 4). Cytogenetic location: 8p23.1.
Variant type: single nucleotide variant.
Coding change: c.368C>G on transcript NM_001308093.3 (MANE Select); coding-DNA position 368, C replaced by G.
Protein change: p.Ala123Gly; replaces alanine 123 with glycine.
Molecular consequence: missense variant. On other transcripts: intron variant (3).
Genome position (GRCh38, 1-based): chr8:11,708,680, C>G. VCF-style: chr8-11708680-C-G. GRCh37 (hg19) VCF-style: chr8-11566189-C-G.
Other names: c.368C>G, p.Ala123Gly (NM_002052.5); c.-6+7902C>G (NM_001308094.2); c.-3+666C>G (NM_001374274.1); c.-3+4376C>G (NM_001374273.1); short protein forms A123G.
Identifiers: ClinVar variation 2787543 (VCV002787543.3), dbSNP rs2486780832, ClinGen allele CA370309478.